The following is an entry in ClinVar:

ClinVar aggregate classification (germline): Conflicting classifications of pathogenicity. Review status: criteria provided, conflicting classifications (1 of 4 stars). 3 submissions from 3 submitters: Uncertain significance (1); Likely benign (2). Last evaluated 2025-12-09.

Conditions:
Hereditary cancer-predisposing syndrome. Also called: Tumor predisposition; Neoplastic Syndromes, Hereditary; Hereditary Cancer Syndrome; Hereditary neoplastic syndrome. Identifiers: Orphanet 140162, MedGen C0027672, MeSH D009386, MONDO:0015356.
Cardiovascular phenotype. Identifiers: MedGen CN230736.
Noonan syndrome 10 (NS10). Identifiers: Orphanet 648, MedGen C4225280, MONDO:0014693, OMIM 616564.

Allele frequency attached by ClinVar (database versions not stated): gnomAD 0.00001; gnomAD exomes 0.00001; TOPMed 0.00001.
gnomAD v4.1: 11 of 1,612,616 alleles (0.00068%); highest among the groups gnomAD compares: Admixed American, 0.0017%; no homozygotes.

Submissions (3):

Labcorp Genetics (formerly Invitae), Labcorp
Classification: Likely benign. Last evaluated: 2025-12-09. Review status: criteria provided, single submitter. Criteria: Invitae Variant Classification Sherloc (09022015). Collection method: clinical testing. Allele origin: germline.

St. Jude Molecular Pathology, St. Jude Children's Research Hospital
Classification: Uncertain significance for Noonan syndrome 10. Last evaluated: 2023-07-25. Review status: criteria provided, single submitter. Criteria: St. Jude Assertion Criteria 2020. Collection method: clinical testing. Allele origin: germline.
Comment: The LZTR1 c.1689G>A (p.Glu563=) synonymous change has a maximum frequency of 0.0028% in gnomAD v2.1.1. Algorithms that predict the impact of sequence changes on splicing indicate that this change may impact splicing, but to our knowledge these predictions have not been confirmed by RNA studies. To our knowledge, this variant has not been reported in the literature in individuals with LZTR1-related disease. In summary, the evidence currently available is insufficient to determine the clinical significance of this variant. It has therefore been classified as of uncertain significance.??

Ambry Genetics
Classification: Likely benign for Cardiovascular phenotype; Hereditary cancer-predisposing syndrome. Last evaluated: 2021-05-26. Review status: criteria provided, single submitter. Criteria: Ambry Variant Classification Scheme 2023. Collection method: clinical testing. Allele origin: germline.

NM_006767.4(LZTR1):c.1689G>A (p.Glu563=)

Gene: LZTR1 (leucine zipper like post translational regulator 1; plus strand). Cytogenetic location: 22q11.21.
Variant type: single nucleotide variant.
Coding change: c.1689G>A on transcript NM_006767.4 (MANE Select); coding-DNA position 1689, G replaced by A.
Protein change: p.Glu563=; no amino-acid change (glutamic acid 563 retained).
Molecular consequence: synonymous variant.
Genome position (GRCh38, 1-based): chr22:20,994,631, G>A. VCF-style: chr22-20994631-G-A. GRCh37 (hg19) VCF-style: chr22-21348920-G-A.
Identifiers: ClinVar variation 1644013 (VCV001644013.11), dbSNP rs977829129, ClinGen allele CA322269737.
Genomic context (GRCh38, chr22:20,994,631, plus strand): 5'-TGTGCTGCTCATCATGGATGTGTACAAACTGGCACTGAGCTTCCAGTTGTGCCGCCTGGA[G>A]CAGCTGTGCCGCCAGTACATCGAGGCCTCCGTGGACCTGCAGAACGTGCTGGTTGTGTGC-3'
Protein context (NP_006758.2, residues 553-573): LALSFQLCRL[Glu563=]QLCRQYIEAS